The following is an entry in ClinVar:

NM_212482.4(FN1):c.2866A>G (p.Ile956Val)

Gene: FN1 (fibronectin 1; minus strand). Cytogenetic location: 2q35.
Variant type: single nucleotide variant.
Coding change: c.2866A>G on transcript NM_212482.4 (MANE Select); coding-DNA position 2866, A replaced by G.
Protein change: p.Ile956Val; replaces isoleucine 956 with valine.
Molecular consequence: missense variant.
Genome position (GRCh38, 1-based): chr2:215,406,358, T>C on the plus strand (A>G on the coding strand, the complement: FN1 is on the minus strand). VCF-style: chr2-215406358-T-C. GRCh37 (hg19) VCF-style: chr2-216271081-T-C.
Other names: c.2866A>G (NM_212482.1); c.2866A>G, p.Ile956Val (NM_001306129.2, NM_001306130.2, NM_001306131.2 and 13 more transcripts); short protein forms I956V.
Identifiers: ClinVar variation 2776238 (VCV002776238.6), dbSNP rs778538491, ClinGen allele CA2094852.
Genomic context (GRCh38, chr2:215,406,358, plus strand): 5'-TGAAGTAATAGGTGACCCCAGGGGACAGCCCGGTGACTTCTGCAAAGGTGTTCCTGCTGA[T>C]GGGCAGCCTCTGCCCGTGCTCGCCAGGCAGGTTGACGGGGATCACATCCACACGGTAGCC-3'
Protein context (NP_997647.2, residues 946-966): LPGEHGQRLP[Ile956Val]SRNTFAEVTG

ClinVar aggregate classification (germline): Conflicting classifications of pathogenicity. Review status: criteria provided, conflicting classifications (1 of 4 stars). 4 submissions from 4 submitters: Uncertain significance (2); Likely benign (2). Last evaluated 2024-09-04.

Conditions:
Glomerulopathy with fibronectin deposits 2 (GFND2). Identifiers: Orphanet 84090, MedGen C1866075, MONDO:0011165, OMIM 601894.
Spondylometaphyseal dysplasia - Sutcliffe type. Also called: Sutcliffe type of spondylometaphyseal dysplasia; Sutcliffe SMD; Spondylometaphyseal dysplasia, 'corner fracture' type; Spondylometaphyseal Dysplasia, Corner Fracture Type. Identifiers: Orphanet 93315, MedGen C0432221, MONDO:0008479, OMIM 184255.
Inborn genetic diseases. Identifiers: MedGen C0950123, MeSH D030342.

Allele frequency attached by ClinVar (database versions not stated): TOPMed below 0.00001; ExAC 0.00001; gnomAD 0.00001; gnomAD exomes 0.00001.
gnomAD v4.1: 19 of 1,614,096 alleles (0.0012%); highest among the groups gnomAD compares: Middle Eastern, 0.033%; no homozygotes.

Submissions (4):

Ambry Genetics
Classification: Likely benign for Inborn genetic diseases. Last evaluated: 2024-09-04. Review status: criteria provided, single submitter. Criteria: Ambry Variant Classification Scheme 2023. Collection method: clinical testing. Allele origin: germline.

Fulgent Genetics
Classification: Uncertain significance for Spondylometaphyseal dysplasia - Sutcliffe type; Glomerulopathy with fibronectin deposits 2. Last evaluated: 2024-06-10. Review status: criteria provided, single submitter. Criteria: ACMG Guidelines, 2015. Collection method: clinical testing. Allele origin: germline.

Labcorp Genetics (formerly Invitae), Labcorp
Classification: Uncertain significance. Last evaluated: 2024-03-27. Review status: criteria provided, single submitter. Criteria: Invitae Variant Classification Sherloc (09022015). Collection method: clinical testing. Allele origin: germline.
Comment: This sequence change replaces isoleucine, which is neutral and non-polar, with valine, which is neutral and non-polar, at codon 956 of the FN1 protein (p.Ile956Val). This variant is present in population databases (rs778538491, gnomAD 0.006%). This variant has not been reported in the literature in individuals affected with FN1-related conditions. Advanced modeling of protein sequence and biophysical properties (such as structural, functional, and spatial information, amino acid conservation, physicochemical variation, residue mobility, and thermodynamic stability) performed at Invitae indicates that this missense variant is not expected to disrupt FN1 protein function with a negative predictive value of 80%. In summary, the available evidence is currently insufficient to determine the role of this variant in disease. Therefore, it has been classified as a Variant of Uncertain Significance.

Blueprint Genetics
Classification: Likely benign. Last evaluated: 2022-12-07. Review status: criteria provided, single submitter. Criteria: ACMG Guidelines, 2015. Collection method: clinical testing. Allele origin: germline.